The following is an entry in ClinVar:

NM_033400.3(ZFHX2):c.5028C>T (p.His1676=)

Genes: THTPA (thiamine triphosphatase; plus strand), ZFHX2 (zinc finger homeobox 2; minus strand). Cytogenetic location: 14q11.2.
Variant type: single nucleotide variant.
Coding change: c.5028C>T on transcript NM_033400.3 (MANE Select); coding-DNA position 5028, C replaced by T.
Protein change: p.His1676=; no amino-acid change (histidine 1676 retained).
Molecular consequence: synonymous variant.
Genome position (GRCh38, 1-based): chr14:23,524,914, G>A on the plus strand (C>T on the coding strand, the complement: ZFHX2 is on the minus strand). VCF-style: chr14-23524914-G-A. GRCh37 (hg19) VCF-style: chr14-23994123-G-A.
Identifiers: ClinVar variation 3239165 (VCV003239165.19), dbSNP rs772432211.

ClinVar aggregate classification (germline): Likely benign (1 of 4 stars; one submission).

Allele frequency attached by ClinVar (database versions not stated): gnomAD 0.00007; gnomAD exomes 0.00009; TOPMed 0.00009; ExAC 0.00014.
gnomAD v4.1: 134 of 1,536,140 alleles (0.0087%); highest among the groups gnomAD compares: East Asian, 0.027%; no homozygotes.

Submission:

CeGaT Center for Human Genetics Tuebingen
Classification: Likely benign. Last evaluated: 2024-05-01. Review status: criteria provided, single submitter. Criteria: CeGaT Center For Human Genetics Tuebingen Variant Classification Criteria Version 2. Collection method: clinical testing. Allele origin: germline. Affected: yes. Observed: 1 variant allele.
Comment: ZFHX2: BP4, BP7